The following is an entry in ClinVar:

ClinVar aggregate classification (germline): Uncertain significance. Review status: criteria provided, multiple submitters, no conflicts (2 of 4 stars). 2 submissions from 2 submitters: Uncertain significance (2). Last evaluated 2025-11-04.

Conditions:
Tietz syndrome (TADS). Also called: ALBINISM-DEAFNESS OF TIETZ; HYPOPIGMENTATION/DEAFNESS OF TIETZ; TIETZ ALBINISM-DEAFNESS SYNDROME. Identifiers: Orphanet 42665, MedGen C0391816, MONDO:0007077, OMIM 103500.
Waardenburg syndrome type 2A (WS2A). Also called: WAARDENBURG SYNDROME WITHOUT DYSTOPIA CANTHORUM. Identifiers: Orphanet 3440, MedGen C1860339, MONDO:0008671, OMIM 193510.
Melanoma, cutaneous malignant, susceptibility to, 8. Also called: MELANOMA AND RENAL CELL CARCINOMA, SUSCEPTIBILITY TO; Cutaneous malignant melanoma 8. Identifiers: Orphanet 293822, MedGen C3152204, MONDO:0013759, OMIM 614456.
Hereditary cancer-predisposing syndrome. Also called: Neoplastic Syndromes, Hereditary; Tumor predisposition; Hereditary Cancer Syndrome; Hereditary neoplastic syndrome. Identifiers: Orphanet 140162, MedGen C0027672, MeSH D009386, MONDO:0015356.

gnomAD v4.1: 1 of 1,614,132 alleles (0.000062%); highest among the groups gnomAD compares: Admixed American, 0.0017%; no homozygotes.

Submissions (2):

Ambry Genetics
Classification: Uncertain significance for Hereditary cancer-predisposing syndrome. Last evaluated: 2025-11-04. Review status: criteria provided, single submitter. Criteria: Ambry Variant Classification Scheme 2023. Collection method: clinical testing. Allele origin: germline.
Comment: The p.K369E variant (also known as c.1105A>G), located in coding exon 9 of the MITF gene, results from an A to G substitution at nucleotide position 1105. The lysine at codon 369 is replaced by glutamic acid, an amino acid with similar properties. This amino acid position is conserved. In addition, the in silico prediction for this alteration is inconclusive. Based on the available evidence, the clinical significance of this variant remains unclear.

Labcorp Genetics (formerly Invitae), Labcorp
Classification: Uncertain significance for Melanoma, cutaneous malignant, susceptibility to, 8; Waardenburg syndrome type 2A; Tietz syndrome. Last evaluated: 2025-07-31. Review status: criteria provided, single submitter. Criteria: Invitae Variant Classification Sherloc (09022015). Collection method: clinical testing. Allele origin: germline.
Comment: This sequence change replaces lysine, which is basic and polar, with glutamic acid, which is acidic and polar, at codon 369 of the MITF protein (p.Lys369Glu). This variant is present in population databases (no rsID available, gnomAD 0.003%). This variant has not been reported in the literature in individuals affected with MITF-related conditions. Invitae Evidence Modeling of protein sequence and biophysical properties (such as structural, functional, and spatial information, amino acid conservation, physicochemical variation, residue mobility, and thermodynamic stability) indicates that this missense variant is not expected to disrupt MITF protein function with a negative predictive value of 80%. In summary, the available evidence is currently insufficient to determine the role of this variant in disease. Therefore, it has been classified as a Variant of Uncertain Significance.

NM_001354604.2(MITF):c.1426A>G (p.Lys476Glu)

Gene: MITF (melanocyte inducing transcription factor; plus strand). Cytogenetic location: 3p13.
Variant type: single nucleotide variant.
Coding change: c.1426A>G on transcript NM_001354604.2 (MANE Select); coding-DNA position 1426, A replaced by G.
Protein change: p.Lys476Glu; replaces lysine 476 with glutamic acid.
Molecular consequence: missense variant.
Genome position (GRCh38, 1-based): chr3:69,965,093, A>G. VCF-style: chr3-69965093-A-G. GRCh37 (hg19) VCF-style: chr3-70014244-A-G.
Other names: c.1105A>G, p.Lys369Glu (NM_000248.4); c.1252A>G, p.Lys418Glu (NM_001184967.2, NM_001354608.2); c.1423A>G, p.Lys475Glu (NM_001354605.2); c.1405A>G, p.Lys469Glu (NM_001354606.2, NM_006722.3); c.1357A>G, p.Lys453Glu (NM_001354607.2); c.1087A>G, p.Lys363Glu (NM_198158.3); c.1408A>G, p.Lys470Glu (NM_198159.3); c.1360A>G, p.Lys454Glu (NM_198177.3); and 1 more; short protein forms K453E, K475E, K363E, K369E, K454E, K418E, K469E, K476E.
Identifiers: ClinVar variation 4648767 (VCV004648767.2).